The following is an entry in ClinVar:

NM_206933.4(USH2A):c.10634G>A (p.Arg3545Gln)

Gene: USH2A (usherin; minus strand). Cytogenetic location: 1q41.
Variant type: single nucleotide variant.
Coding change: c.10634G>A on transcript NM_206933.4 (MANE Select); coding-DNA position 10634, G replaced by A.
Protein change: p.Arg3545Gln; replaces arginine 3545 with glutamine.
Molecular consequence: missense variant.
Genome position (GRCh38, 1-based): chr1:215,782,148, C>T on the plus strand (G>A on the coding strand, the complement: USH2A is on the minus strand). VCF-style: chr1-215782148-C-T. GRCh37 (hg19) VCF-style: chr1-215955490-C-T.
Other names: short protein forms R3545Q.
Identifiers: ClinVar variation 551207 (VCV000551207.9), dbSNP rs375978706, ClinGen allele CA1393965.

ClinVar aggregate classification (germline): Uncertain significance. Review status: criteria provided, multiple submitters, no conflicts (2 of 4 stars). 7 submissions from 6 submitters: Uncertain significance (6). 1 of the submissions does not count toward it. Last evaluated 2026-09-15.

Conditions:
Usher syndrome type 2A. Also called: USHER SYNDROME, TYPE IIA; RETINAL DISEASE IN USHER SYNDROME TYPE IIA, MODIFIER OF. Identifiers: Orphanet 231178, Orphanet 886, MedGen C1848634, MONDO:0010169, OMIM 276901.
Retinitis pigmentosa 39 (RP39). Identifiers: Orphanet 791, MedGen C3151138, MONDO:0013436, OMIM 613809.
USH2A-related disorder. Also called: USH2A-related disorders; USH2A-related condition. Identifiers: MedGen CN239332.

Allele frequency attached by ClinVar (database versions not stated): gnomAD 0.00003; gnomAD exomes 0.00004; TOPMed 0.00004; ExAC 0.00005; ESP Exome Variant Server 0.00008.

Submissions (7):

PreventionGenetics, part of Exact Sciences
Classification: Uncertain significance for USH2A-related condition. Last evaluated: 2026-09-15. Review status: criteria provided, single submitter. Criteria: ACMG Guidelines, 2015. Collection method: clinical testing. Allele origin: germline.
Comment: The USH2A c.10634G>A variant is predicted to result in the amino acid substitution p.Arg3545Gln. This variant was reported with a second USH2A variant in an individual with retinitis pigmentosa (table S4, Xu et al. 2014. PubMed ID: 24938718). This variant is reported in 0.0088% of alleles in individuals of European (Non-Finnish) descent in gnomAD. At this time, the clinical significance of this variant is uncertain due to the absence of conclusive functional and genetic evidence.

Women's Health and Genetics/Laboratory Corporation of America, LabCorp
Classification: Uncertain significance. Last evaluated: 2024-09-04. Review status: criteria provided, single submitter. Criteria: LabCorp Variant Classification Summary - May 2015. Collection method: clinical testing. Allele origin: germline.
Comment: Variant summary: USH2A c.10634G>A (p.Arg3545Gln) results in a conservative amino acid change located in the Fibronectin type III domain (IPR003961) of the encoded protein sequence. Five of five in-silico tools predict a benign effect of the variant on protein function. The variant allele was found at a frequency of 4.4e-05 in 251284 control chromosomes. This frequency is not significantly higher than estimated for a pathogenic variant in USH2A causing Usher Syndrome (4.4e-05 vs 0.011), allowing no conclusion about variant significance. c.10634G>A has been reported in the literature in at least one individual affected with retinitis pigmentosa (example: Xu_2014). These report(s) do not provide unequivocal conclusions about association of the variant with Usher Syndrome. To our knowledge, no experimental evidence demonstrating an impact on protein function has been reported. ClinVar contains an entry for this variant (Variation ID: 551207). Based on the evidence outlined above, the variant was classified as uncertain significance.

Genome-Nilou Lab
Classification: Uncertain significance for Retinitis pigmentosa 39. Last evaluated: 2023-11-04. Review status: criteria provided, single submitter. Criteria: ACMG Guidelines, 2015. Collection method: clinical testing. Allele origin: germline. Affected: no.

Genome-Nilou Lab
Classification: Uncertain significance for Usher syndrome type 2A. Last evaluated: 2023-11-04. Review status: criteria provided, single submitter. Criteria: ACMG Guidelines, 2015. Collection method: clinical testing. Allele origin: germline. Affected: no.

Blueprint Genetics
Classification: Uncertain significance. Last evaluated: 2023-06-16. Review status: criteria provided, single submitter. Criteria: ACMG Guidelines, 2015. Collection method: clinical testing. Allele origin: germline.

Labcorp Genetics (formerly Invitae), Labcorp
Classification: Uncertain significance. Last evaluated: 2022-10-13. Review status: criteria provided, single submitter. Criteria: Invitae Variant Classification Sherloc (09022015). Collection method: clinical testing. Allele origin: germline.
Comment: This sequence change replaces arginine, which is basic and polar, with glutamine, which is neutral and polar, at codon 3545 of the USH2A protein (p.Arg3545Gln). This variant is present in population databases (rs375978706, gnomAD 0.01%). This missense change has been observed in individual(s) with retinitis pigmentosa (PMID: 24938718). ClinVar contains an entry for this variant (Variation ID: 551207). Advanced modeling of protein sequence and biophysical properties (such as structural, functional, and spatial information, amino acid conservation, physicochemical variation, residue mobility, and thermodynamic stability) performed at Invitae indicates that this missense variant is not expected to disrupt USH2A protein function. In summary, the available evidence is currently insufficient to determine the role of this variant in disease. Therefore, it has been classified as a Variant of Uncertain Significance.

Counsyl
Classification: Uncertain significance for Usher syndrome type 2A; Retinitis pigmentosa 39. Last evaluated: 2017-03-21. Review status: no assertion criteria provided. Collection method: clinical testing. Allele origin: unknown. Not counted in ClinVar's aggregate classification.

Literature cited by the submitters: PubMed 24938718 (cited by Women's Health and Genetics/Laboratory Corporation of America, LabCorp and Labcorp Genetics (formerly Invitae), Labcorp).